The following is an entry in ClinVar:

ClinVar aggregate classification (germline): Uncertain significance (1 of 4 stars; one submission).

Conditions:
Alport syndrome. Also called: Hemorrhagic familial nephritis; Hemorrhagic hereditary nephritis; Congenital hereditary hematuria. Identifiers: Orphanet 63, MedGen C1567741, MONDO:0018965.

gnomAD v4.1: 1 of 1,613,374 alleles (0.000062%); no homozygotes.

Submission:

MVZ Dr. Eberhard & Partner Dortmund
Classification: Uncertain significance for Alport syndrome. Last evaluated: 2024-01-05. Review status: criteria provided, single submitter. Criteria: ACMG Guidelines, 2015. Collection method: clinical testing. Allele origin: unknown. Observed: 1 heterozygote.
Comment: This variant was absent from variant databases (HGMD, ClinVar, LOVD). It has not yet been described in the literature and is only found once in control groups of different ethnic groups. Splicing predictions were suspicious and support evidence of a deleterious effect, which might be the skipping of exon 4 without frame shift. There are no known pathogenic or likely pathogenic missense or similar splicing variants for exon 4. Exon 4 is coding for a part of the noncollagenous sequence and the first Gly-X-Y triplet but refering to Savige et al. 2021 (PMCID: PMC8384871) the effect of glycine substitutions in this domain are difficult to classify. The substitution of G by T at that position is already listed as likely pathogenic in ClinVar (Variation ID: 1483258).

Literature cited by the submitters: PubMed 33854215.

NM_000092.5(COL4A4):c.192+1G>A

Gene: COL4A4 (collagen type IV alpha 4 chain; minus strand). Cytogenetic location: 2q36.3.
Variant type: single nucleotide variant.
Coding change: c.192+1G>A on transcript NM_000092.5 (MANE Select); the canonical splice donor site of the intron after coding-DNA position 192, G replaced by A.
Molecular consequence: splice donor variant.
Genome position (GRCh38, 1-based): chr2:227,140,160, C>T on the plus strand (G>A on the coding strand, the complement: COL4A4 is on the minus strand). VCF-style: chr2-227140160-C-T. GRCh37 (hg19) VCF-style: chr2-228004876-C-T.
Identifiers: ClinVar variation 2775424 (VCV002775424.2), dbSNP rs2125291407, ClinGen allele CA350866155.